The following is an entry in ClinVar:

NM_198525.3(KIF7):c.2137C>A (p.Leu713Met)

Gene: KIF7 (kinesin family member 7; minus strand). Cytogenetic location: 15q26.1.
Variant type: single nucleotide variant.
Coding change: c.2137C>A on transcript NM_198525.3 (MANE Select); coding-DNA position 2137, C replaced by A.
Protein change: p.Leu713Met; replaces leucine 713 with methionine.
Molecular consequence: missense variant.
Genome position (GRCh38, 1-based): chr15:89,645,067, G>T on the plus strand (C>A on the coding strand, the complement: KIF7 is on the minus strand). VCF-style: chr15-89645067-G-T. GRCh37 (hg19) VCF-style: chr15-90188298-G-T.
Other names: short protein forms L713M.
Identifiers: ClinVar variation 1507320 (VCV001507320.8), dbSNP rs762264287, ClinGen allele CA393763703.

ClinVar aggregate classification (germline): Uncertain significance (1 of 4 stars; one submission).

Conditions:
Acrocallosal syndrome (ACLS). Also called: HALLUX DUPLICATION, POSTAXIAL POLYDACTYLY, AND ABSENCE OF CORPUS CALLOSUM; Schinzel syndrome 1; Absence of corpus callosum with unusual facial appearance, mental deficiency, duplication of the halluces and polydactyly. Identifiers: Orphanet 36, MedGen C0796147, MONDO:0008708, OMIM 200990.

gnomAD v4.1: 1 of 1,606,162 alleles (0.000062%); no homozygotes.

Submission:

Labcorp Genetics (formerly Invitae), Labcorp
Classification: Uncertain significance for Acrocallosal syndrome. Last evaluated: 2021-02-03. Review status: criteria provided, single submitter. Criteria: Invitae Variant Classification Sherloc (09022015). Collection method: clinical testing. Allele origin: germline.
Comment: Algorithms developed to predict the effect of missense changes on protein structure and function are either unavailable or do not agree on the potential impact of this missense change (SIFT: "Deleterious"; PolyPhen-2: "Probably Damaging"; Align-GVGD: "Class C0"). In summary, the available evidence is currently insufficient to determine the role of this variant in disease. Therefore, it has been classified as a Variant of Uncertain Significance. This variant has not been reported in the literature in individuals with KIF7-related conditions. This variant is not present in population databases (ExAC no frequency). This sequence change replaces leucine with methionine at codon 713 of the KIF7 protein (p.Leu713Met). The leucine residue is highly conserved and there is a small physicochemical difference between leucine and methionine.